The following is an entry in ClinVar:

ClinVar aggregate classification (germline): Likely benign. Review status: criteria provided, multiple submitters, no conflicts (2 of 4 stars). 3 submissions from 3 submitters: Likely benign (2). 1 of the submissions does not count toward it. Last evaluated 2026-03-27.

Conditions:
SLC4A3-related disorder. Also called: SLC4A3-related condition.

Allele frequency attached by ClinVar (database versions not stated): 1000 Genomes Project 0.00060; ESP Exome Variant Server 0.00185; 1000 Genomes Project 30x 0.00062.
gnomAD v4.1: 2,121 of 1,611,998 alleles (0.13%); highest among the groups gnomAD compares: Non-Finnish European, 0.16%; 6 homozygotes.

Submissions (3):

Molecular Diagnostic Laboratory for Inherited Cardiovascular Disease, Montreal Heart Institute
Classification: Likely benign. Last evaluated: 2026-03-27. Review status: criteria provided, single submitter. Criteria: ACMG Guidelines, 2015. Collection method: clinical testing. Allele origin: germline. Affected: no.
Comment: BP7

Mayo Clinic Laboratories, Mayo Clinic
Classification: Likely benign. Last evaluated: 2025-05-12. Review status: criteria provided, single submitter. Criteria: ACMG Guidelines, 2015. Collection method: clinical testing. Allele origin: germline. Observed: 3 variant alleles.
Comment: BS1, BP4, BP7

PreventionGenetics, part of Exact Sciences
Classification: Likely benign for SLC4A3-related condition. Last evaluated: 2022-12-07. Review status: no assertion criteria provided. Collection method: clinical testing. Allele origin: germline. Not counted in ClinVar's aggregate classification.
Comment: This variant is classified as likely benign based on ACMG/AMP sequence variant interpretation guidelines (Richards et al. 2015 PMID: 25741868, with internal and published modifications).

NM_005070.4(SLC4A3):c.2781C>A (p.Ile927=)

Gene: SLC4A3 (solute carrier family 4 member 3; plus strand). Cytogenetic location: 2q35.
Variant type: single nucleotide variant.
Coding change: c.2781C>A on transcript NM_005070.4 (MANE Select); coding-DNA position 2781, C replaced by A.
Protein change: p.Ile927=; no amino-acid change (isoleucine 927 retained).
Molecular consequence: synonymous variant. On other transcripts: non-coding transcript variant (1).
Genome position (GRCh38, 1-based): chr2:219,638,178, C>A. VCF-style: chr2-219638178-C-A. GRCh37 (hg19) VCF-style: chr2-220502900-C-A.
Other names: p.Ile954=; c.2862C>A, p.Ile954= (NM_001326559.2, NM_201574.3); c.2781C>A (NM_005070.3).
Identifiers: ClinVar variation 3037875 (VCV003037875.4), dbSNP rs34173245, ClinGen allele CA2134319.